The following is an entry in ClinVar:

ClinVar aggregate classification (germline): Uncertain significance (1 of 4 stars; one submission).

Conditions:
Brugada syndrome. Also called: Sudden unexpected nocturnal death syndrome; Sudden unexplained nocturnal death syndrome; Sudden Unexplained Death Syndrome; Sudden Unexplained Nocturnal Death Syndrome (SUNDS). Identifiers: Orphanet 130, MedGen C1142166, MONDO:0015263.

Allele frequency attached by ClinVar (database versions not stated): TOPMed below 0.00001.

Submission:

Labcorp Genetics (formerly Invitae), Labcorp
Classification: Uncertain significance for Brugada syndrome. Last evaluated: 2020-07-08. Review status: criteria provided, single submitter. Criteria: Invitae Variant Classification Sherloc (09022015). Collection method: clinical testing. Allele origin: germline.
Comment: This sequence change replaces glutamic acid with alanine at codon 45 of the GPD1L protein (p.Glu45Ala). The glutamic acid residue is highly conserved and there is a moderate physicochemical difference between glutamic acid and alanine. This variant is not present in population databases (ExAC no frequency). This variant has not been reported in the literature in individuals with GPD1L-related conditions. Algorithms developed to predict the effect of missense changes on protein structure and function are either unavailable or do not agree on the potential impact of this missense change (SIFT: "Tolerated"; PolyPhen-2: "Probably Damaging"; Align-GVGD: "Class C0"). In summary, the available evidence is currently insufficient to determine the role of this variant in disease. Therefore, it has been classified as a Variant of Uncertain Significance.

NM_015141.4(GPD1L):c.134A>C (p.Glu45Ala)

Gene: GPD1L (glycerol-3-phosphate dehydrogenase 1 like; plus strand). Cytogenetic location: 3p22.3.
Variant type: single nucleotide variant.
Coding change: c.134A>C on transcript NM_015141.4 (MANE Select); coding-DNA position 134, A replaced by C.
Protein change: p.Glu45Ala; replaces glutamic acid 45 with alanine.
Molecular consequence: missense variant.
Genome position (GRCh38, 1-based): chr3:32,128,162, A>C. VCF-style: chr3-32128162-A-C. GRCh37 (hg19) VCF-style: chr3-32169654-A-C.
Other names: short protein forms E45A.
Identifiers: ClinVar variation 1054969 (VCV001054969.5), dbSNP rs934971247, ClinGen allele CA72561105.